The following is an entry in ClinVar:

NM_004706.4(ARHGEF1):c.1622A>G (p.Gln541Arg)

Gene: ARHGEF1 (Rho guanine nucleotide exchange factor 1; plus strand). Cytogenetic location: 19q13.2.
Variant type: single nucleotide variant.
Coding change: c.1622A>G on transcript NM_004706.4 (MANE Select); coding-DNA position 1622, A replaced by G.
Protein change: p.Gln541Arg; replaces glutamine 541 with arginine.
Molecular consequence: missense variant.
Genome position (GRCh38, 1-based): chr19:41,902,657, A>G. VCF-style: chr19-41902657-A-G. GRCh37 (hg19) VCF-style: chr19-42406807-A-G.
Other names: c.1523A>G, p.Gln508Arg (NM_198977.2); c.1667A>G, p.Gln556Arg (NM_199002.2); short protein forms Q508R, Q541R, Q556R.
Identifiers: ClinVar variation 998508 (VCV000998508.8), dbSNP rs1555849286, ClinGen allele CA406062021.

ClinVar aggregate classification (germline): Uncertain significance (1 of 4 stars; one submission).

Submission:

Labcorp Genetics (formerly Invitae), Labcorp
Classification: Uncertain significance. Last evaluated: 2025-03-31. Review status: criteria provided, single submitter. Criteria: Invitae Variant Classification Sherloc (09022015). Collection method: clinical testing. Allele origin: germline.
Comment: This sequence change replaces glutamine, which is neutral and polar, with arginine, which is basic and polar, at codon 556 of the ARHGEF1 protein (p.Gln556Arg). This variant is not present in population databases (gnomAD no frequency). This variant has not been reported in the literature in individuals affected with ARHGEF1-related conditions. ClinVar contains an entry for this variant (Variation ID: 998508). An algorithm developed to predict the effect of missense changes on protein structure and function (PolyPhen-2) suggests that this variant is likely to be disruptive. Algorithms developed to predict the effect of sequence changes on RNA splicing suggest that this variant may disrupt the consensus splice site. In summary, the available evidence is currently insufficient to determine the role of this variant in disease. Therefore, it has been classified as a Variant of Uncertain Significance.